The following is an entry in ClinVar:

NM_003190.5(TAPBP):c.974G>T (p.Gly325Val)

Gene: TAPBP (TAP binding protein; minus strand). Cytogenetic location: 6p21.32.
Variant type: single nucleotide variant.
Coding change: c.974G>T on transcript NM_003190.5 (MANE Select); coding-DNA position 974, G replaced by T.
Protein change: p.Gly325Val; replaces glycine 325 with valine.
Molecular consequence: missense variant.
Genome position (GRCh38, 1-based): chr6:33,304,533, C>A on the plus strand (G>T on the coding strand, the complement: TAPBP is on the minus strand). VCF-style: chr6-33304533-C-A. GRCh37 (hg19) VCF-style: chr6-33272310-C-A.
Other names: c.974G>T, p.Gly325Val (NM_001410875.1, NM_172208.3); c.713G>T, p.Gly238Val (NM_172209.3); short protein forms G238V, G325V.
Identifiers: ClinVar variation 2334072 (VCV002334072.3), dbSNP rs200280998, ClinGen allele CA137089053.

ClinVar aggregate classification (germline): Uncertain significance. Review status: criteria provided, multiple submitters, no conflicts (2 of 4 stars). 2 submissions from 2 submitters: Uncertain significance (2). Last evaluated 2025-05-11.

Conditions:
MHC class I deficiency. Identifiers: Orphanet 34592, MedGen C6024714, MONDO:0011476.

gnomAD v4.1: 47 of 1,612,362 alleles (0.0029%); highest among the groups gnomAD compares: Non-Finnish European, 0.0039%; no homozygotes.

Submissions (2):

Labcorp Genetics (formerly Invitae), Labcorp
Classification: Uncertain significance for MHC class I deficiency 1. Last evaluated: 2025-05-11. Review status: criteria provided, single submitter. Criteria: Invitae Variant Classification Sherloc (09022015). Collection method: clinical testing. Allele origin: germline.
Comment: This sequence change replaces glycine, which is neutral and non-polar, with valine, which is neutral and non-polar, at codon 325 of the TAPBP protein (p.Gly325Val). This variant is present in population databases (rs200280998, gnomAD 0.002%). This variant has not been reported in the literature in individuals affected with TAPBP-related conditions. ClinVar contains an entry for this variant (Variation ID: 2334072). An algorithm developed to predict the effect of missense changes on protein structure and function (PolyPhen-2) suggests that this variant is likely to be disruptive. In summary, the available evidence is currently insufficient to determine the role of this variant in disease. Therefore, it has been classified as a Variant of Uncertain Significance.

Ambry Genetics
Classification: Uncertain significance. Last evaluated: 2022-12-13. Review status: criteria provided, single submitter. Criteria: Ambry Variant Classification Scheme 2023. Collection method: clinical testing. Allele origin: germline.